The following is an entry in ClinVar:

ClinVar aggregate classification (germline): Conflicting classifications of pathogenicity. Review status: criteria provided, conflicting classifications (1 of 4 stars). 2 submissions from 2 submitters: Uncertain significance (1); Likely benign (1). Last evaluated 2026-03-17.

Conditions:
Inborn genetic diseases. Identifiers: MedGen C0950123, MeSH D030342.

gnomAD v4.1: 4 of 1,614,194 alleles (0.00025%); highest among the groups gnomAD compares: Admixed American, 0.005%; no homozygotes.

Submissions (2):

Ambry Genetics
Classification: Likely benign for Inborn genetic diseases. Last evaluated: 2026-03-17. Review status: criteria provided, single submitter. Criteria: Ambry Variant Classification Scheme 2023. Collection method: clinical testing. Allele origin: germline.

Labcorp Genetics (formerly Invitae), Labcorp
Classification: Uncertain significance. Last evaluated: 2024-10-07. Review status: criteria provided, single submitter. Criteria: Invitae Variant Classification Sherloc (09022015). Collection method: clinical testing. Allele origin: germline.
Comment: This sequence change replaces proline, which is neutral and non-polar, with arginine, which is basic and polar, at codon 458 of the ASXL1 protein (p.Pro458Arg). This variant is present in population databases (no rsID available, gnomAD 0.006%). This variant has not been reported in the literature in individuals affected with ASXL1-related conditions. An algorithm developed to predict the effect of missense changes on protein structure and function (PolyPhen-2) suggests that this variant is likely to be tolerated. In summary, the available evidence is currently insufficient to determine the role of this variant in disease. Therefore, it has been classified as a Variant of Uncertain Significance.

NM_015338.6(ASXL1):c.1373C>G (p.Pro458Arg)

Gene: ASXL1 (ASXL transcriptional regulator 1; plus strand). Cytogenetic location: 20q11.21.
Variant type: single nucleotide variant.
Coding change: c.1373C>G on transcript NM_015338.6 (MANE Select); coding-DNA position 1373, C replaced by G.
Protein change: p.Pro458Arg; replaces proline 458 with arginine.
Molecular consequence: missense variant.
Genome position (GRCh38, 1-based): chr20:32,433,571, C>G. VCF-style: chr20-32433571-C-G. GRCh37 (hg19) VCF-style: chr20-31021374-C-G.
Other names: c.1190C>G, p.Pro397Arg (NM_001363734.1); short protein forms P397R, P458R.
Identifiers: ClinVar variation 3623704 (VCV003623704.3).